The following is an entry in ClinVar:

ClinVar aggregate classification (germline): Uncertain significance. Review status: criteria provided, multiple submitters, no conflicts (2 of 4 stars). 2 submissions from 2 submitters: Uncertain significance (2). Last evaluated 2026-04-22.

Conditions:
Arrhythmogenic right ventricular dysplasia 10. Also called: ARRHYTHMOGENIC RIGHT VENTRICULAR DYSPLASIA, FAMILIAL, 10; Arrhythmogenic right ventricular dysplasia/cardiomyopathy, type 10; Arrhythmogenic Right Ventricular Dysplasia/Cardiomyopathy10. Identifiers: MedGen C1857777, MONDO:0012434, OMIM 610193.

Submissions (2):

GeneDx
Classification: Uncertain significance. Last evaluated: 2026-04-22. Review status: criteria provided, single submitter. Criteria: GeneDx Variant Classification Process June 2021. Collection method: clinical testing. Allele origin: germline.
Comment: Not observed at significant frequency in large population cohorts (gnomAD); In-frame deletion of 3 amino acid(s) in a non-repeat region; In silico analysis suggests that this variant does not alter protein structure/function; Has not been previously published as pathogenic or benign to our knowledge

Labcorp Genetics (formerly Invitae), Labcorp
Classification: Uncertain significance for Arrhythmogenic right ventricular dysplasia 10. Last evaluated: 2021-08-04. Review status: criteria provided, single submitter. Criteria: Invitae Variant Classification Sherloc (09022015). Collection method: clinical testing. Allele origin: germline.
Comment: This variant has not been reported in the literature in individuals with DSG2-related disease. In summary, the available evidence is currently insufficient to determine the role of this variant in disease. Therefore, it has been classified as a Variant of Uncertain Significance. Experimental studies and prediction algorithms are not available for this variant, and the functional significance of the deleted amino acids is currently unknown. The frequency data for this variant in the population databases is considered unreliable, as metrics indicate poor data quality at this position in the ExAC database. This variant, c.2134_2142delTCCGAGATG, results in the deletion of 3 amino acid(s) of the DSG2 protein (p.Ser712_Met714del), but otherwise preserves the integrity of the reading frame.

NM_001943.5(DSG2):c.2134_2142del (p.Ser712_Met714del)

Genes: DSG2 (desmoglein 2; plus strand), DSG2-AS1 (DSG2 antisense RNA 1; minus strand). Cytogenetic location: 18q12.1.
Variant type: Deletion.
Coding change: c.2134_2142del on transcript NM_001943.5 (MANE Select); coding-DNA positions 2134 to 2142, 9 bases deleted (TCCGAGATG; older notation c.2134_2142delTCCGAGATG).
Protein change: p.Ser712_Met714del.
Molecular consequence: inframe deletion.
Genome position (GRCh38, 1-based): chr18:31,542,652-31,542,660, TCCGAGATG deleted; deleting any 9 consecutive bases within chr18:31,542,646-31,542,660 gives the same sequence; the c. name uses the placement nearest the transcript's 3' end. VCF-style (leftmost placement, unchanged base first): chr18-31542645-TGAGATGTCC-T. GRCh37 (hg19) VCF-style: chr18-29122608-TGAGATGTCC-T.
Other names: c.2134_2142del (LRG_397t1, NM_001943.3); c.2134_2142delTCCGAGATG (NM_001943.3).
Identifiers: ClinVar variation 648493 (VCV000648493.9), dbSNP rs778319427, ClinGen allele CA044922.